The following is an entry in ClinVar:

ClinVar aggregate classification (germline): Uncertain significance. Review status: criteria provided, multiple submitters, no conflicts (2 of 4 stars). 2 submissions from 2 submitters: Uncertain significance (2). Last evaluated 2026-01-20.

Allele frequency attached by ClinVar (database versions not stated): gnomAD exomes below 0.00001 and 0.00001; ExAC 0.00001; gnomAD 0.00001.
gnomAD v4.1: 17 of 1,613,524 alleles (0.0011%); highest among the groups gnomAD compares: East Asian, 0.0022%; no homozygotes.

Submissions (2):

Women's Health and Genetics/Laboratory Corporation of America, LabCorp
Classification: Uncertain significance. Last evaluated: 2026-01-20. Review status: criteria provided, single submitter. Criteria: LabCorp Variant Classification Summary - May 2015. Collection method: clinical testing. Allele origin: germline.
Comment: Variant summary: NALCN c.4745G>A (p.Arg1582His) results in a non-conservative amino acid change in the encoded protein sequence. Algorithms developed to predict the effect of missense changes on protein structure and function all suggest that this variant is likely to be disruptive. The variant allele was found at a frequency of 4e-06 in 250396 control chromosomes. The available data on variant occurrences in the general population are insufficient to allow any conclusion about variant significance. To our knowledge, no occurrence of c.4745G>A in individuals affected with NALCN-related conditions and no experimental evidence demonstrating its impact on protein function have been reported. ClinVar contains an entry for this variant (Variation ID: 1336857). Based on the evidence outlined above, the variant was classified as uncertain significance.

Genetic Services Laboratory, University of Chicago
Classification: Uncertain significance. Last evaluated: 2018-12-06. Review status: criteria provided, single submitter. Criteria: ACMG Guidelines, 2015. Collection method: clinical testing. Allele origin: germline. Affected: no.

NM_052867.4(NALCN):c.4745G>A (p.Arg1582His)

Gene: NALCN (sodium leak channel, non-selective; minus strand). Cytogenetic location: 13q32.3.
Variant type: single nucleotide variant.
Coding change: c.4745G>A on transcript NM_052867.4 (MANE Select); coding-DNA position 4745, G replaced by A.
Protein change: p.Arg1582His; replaces arginine 1582 with histidine.
Molecular consequence: missense variant.
Genome position (GRCh38, 1-based): chr13:101,061,978, C>T on the plus strand (G>A on the coding strand, the complement: NALCN is on the minus strand). VCF-style: chr13-101061978-C-T. GRCh37 (hg19) VCF-style: chr13-101714330-C-T.
Other names: c.4832G>A, p.Arg1611His (NM_001350748.2); c.4745G>A, p.Arg1582His (NM_001350749.2); c.4658G>A, p.Arg1553His (NM_001350750.2, NM_001350751.2); short protein forms R1553H, R1582H, R1611H.
Identifiers: ClinVar variation 1336857 (VCV001336857.7), dbSNP rs764045715, ClinGen allele CA7035044.